The following is an entry in ClinVar:

ClinVar aggregate classification (germline): Conflicting classifications of pathogenicity. Review status: criteria provided, conflicting classifications (1 of 4 stars). 3 submissions from 3 submitters: Uncertain significance (2); Likely benign (1). Last evaluated 2025-06-01.

Allele frequency attached by ClinVar (database versions not stated): TOPMed below 0.00001; gnomAD 0.00001.
gnomAD v4.1: 2 of 1,613,122 alleles (0.00012%); highest among the groups gnomAD compares: Non-Finnish European, 0.00017%; no homozygotes.

Submissions (3):

Labcorp Genetics (formerly Invitae), Labcorp
Classification: Likely benign. Last evaluated: 2025-06-01. Review status: criteria provided, single submitter. Criteria: Invitae Variant Classification Sherloc (09022015). Collection method: clinical testing. Allele origin: germline.

GeneDx
Classification: Uncertain significance. Last evaluated: 2023-11-29. Review status: criteria provided, single submitter. Criteria: GeneDx Variant Classification Process June 2021. Collection method: clinical testing. Allele origin: germline. Affected: yes.
Comment: Not observed at significant frequency in large population cohorts (gnomAD); In silico analysis supports that this missense variant has a deleterious effect on protein structure/function; Has not been previously published as pathogenic or benign to our knowledge

Revvity Omics, Revvity
Classification: Uncertain significance. Last evaluated: 2022-12-16. Review status: criteria provided, single submitter. Criteria: ACMG Guidelines, 2015. Collection method: clinical testing. Allele origin: germline.

NM_001854.4(COL11A1):c.4172A>T (p.Lys1391Ile)

Gene: COL11A1 (collagen type XI alpha 1 chain; minus strand). Cytogenetic location: 1p21.1.
Variant type: single nucleotide variant.
Coding change: c.4172A>T on transcript NM_001854.4 (MANE Select); coding-DNA position 4172, A replaced by T.
Protein change: p.Lys1391Ile; replaces lysine 1391 with isoleucine.
Molecular consequence: missense variant. On other transcripts: non-coding transcript variant (1).
Genome position (GRCh38, 1-based): chr1:102,898,742, T>A on the plus strand (A>T on the coding strand, the complement: COL11A1 is on the minus strand). VCF-style: chr1-102898742-T-A. GRCh37 (hg19) VCF-style: chr1-103364298-T-A.
Other names: c.3824A>T, p.Lys1275Ile (NM_001168249.1, NM_080630.4); c.4055A>T, p.Lys1352Ile (NM_001190709.2); c.4208A>T, p.Lys1403Ile (NM_080629.3); c.4172A>T (NM_001854.3); short protein forms K1391I, K1352I, K1403I, K1275I.
Identifiers: ClinVar variation 2018119 (VCV002018119.8), dbSNP rs1239154521, ClinGen allele CA341155389.